The following is an entry in ClinVar:

NM_000307.5(POU3F4):c.374C>A (p.Thr125Lys)

Gene: POU3F4 (POU class 3 homeobox 4; plus strand). Cytogenetic location: Xq21.1.
Variant type: single nucleotide variant.
Coding change: c.374C>A on transcript NM_000307.5 (MANE Select); coding-DNA position 374, C replaced by A.
Protein change: p.Thr125Lys; replaces threonine 125 with lysine.
Molecular consequence: missense variant.
Genome position (GRCh38, 1-based): chrX:83,508,698, C>A. VCF-style: chrX-83508698-C-A. GRCh37 (hg19) VCF-style: chrX-82763706-C-A.
Other names: short protein forms T125K.
Identifiers: ClinVar variation 3019862 (VCV003019862.3), dbSNP rs752828020, ClinGen allele CA10462766.

ClinVar aggregate classification (germline): Uncertain significance (1 of 4 stars; one submission).

Allele frequency attached by ClinVar (database versions not stated): gnomAD exomes below 0.00001.
gnomAD v4.1: 5 of 1,211,615 alleles (0.00041%); highest among the groups gnomAD compares: Admixed American, 0.0043%; no homozygotes.

Submission:

Labcorp Genetics (formerly Invitae), Labcorp
Classification: Uncertain significance. Last evaluated: 2023-11-06. Review status: criteria provided, single submitter. Criteria: Invitae Variant Classification Sherloc (09022015). Collection method: clinical testing. Allele origin: germline.
Comment: This sequence change replaces threonine, which is neutral and polar, with lysine, which is basic and polar, at codon 125 of the POU3F4 protein (p.Thr125Lys). This variant is present in population databases (rs752828020, gnomAD 0.008%), including at least one homozygous and/or hemizygous individual. This variant has not been reported in the literature in individuals affected with POU3F4-related conditions. Advanced modeling of protein sequence and biophysical properties (such as structural, functional, and spatial information, amino acid conservation, physicochemical variation, residue mobility, and thermodynamic stability) performed at Invitae indicates that this missense variant is not expected to disrupt POU3F4 protein function with a negative predictive value of 80%. In summary, the available evidence is currently insufficient to determine the role of this variant in disease. Therefore, it has been classified as a Variant of Uncertain Significance.